The following is an entry in ClinVar:

ClinVar aggregate classification (germline): Likely benign. Review status: criteria provided, multiple submitters, no conflicts (2 of 4 stars). 4 submissions from 4 submitters: Likely benign (4). Last evaluated 2026-06-03.

Conditions:
Hereditary diffuse gastric adenocarcinoma (HDGC). Also called: DIFFUSE GASTRIC AND LOBULAR BREAST CANCER SYNDROME. Identifiers: Orphanet 26106, MedGen C1708349, MONDO:0007648, OMIM 137215.
Hereditary cancer-predisposing syndrome. Also called: Neoplastic Syndromes, Hereditary; Tumor predisposition; Hereditary Cancer Syndrome; Hereditary neoplastic syndrome. Identifiers: Orphanet 140162, MedGen C0027672, MeSH D009386, MONDO:0015356.

Allele frequency attached by ClinVar (database versions not stated): gnomAD exomes 0.00002; TOPMed 0.00002; ExAC 0.00007; ESP Exome Variant Server 0.00008; 1000 Genomes Project 30x 0.00016; 1000 Genomes Project 0.00020.
gnomAD v4.1: 22 of 1,560,860 alleles (0.0014%); highest among the groups gnomAD compares: South Asian, 0.0094%; no homozygotes.

Submissions (4):

Ambry Genetics
Classification: Likely benign for Hereditary cancer-predisposing syndrome. Last evaluated: 2026-06-03. Review status: criteria provided, single submitter. Criteria: Ambry Variant Classification Scheme 2023. Collection method: clinical testing. Allele origin: germline.

Labcorp Genetics (formerly Invitae), Labcorp
Classification: Likely benign. Last evaluated: 2026-01-28. Review status: criteria provided, single submitter. Criteria: Invitae Variant Classification Sherloc (09022015). Collection method: clinical testing. Allele origin: germline.

Myriad Genetics, Inc.
Classification: Likely benign for Hereditary diffuse gastric adenocarcinoma. Last evaluated: 2025-05-29. Review status: criteria provided, single submitter. Criteria: Myriad Autosomal Dominant, Autosomal Recessive and X-Linked Classification Criteria (2023). Collection method: clinical testing. Allele origin: unknown.
Comment: This variant is considered likely benign. This variant is intronic and is not expected to impact mRNA splicing. This variant been observed in trans with a known pathogenic variant in one or more individuals. Compound heterozygosity for pathogenic variants in this gene is generally assumed to result in embryonic lethality.

Blueprint Genetics
Classification: Likely benign. Last evaluated: 2021-07-20. Review status: criteria provided, single submitter. Criteria: ACMG Guidelines, 2015. Collection method: clinical testing. Allele origin: germline.

NM_001903.5(CTNNA1):c.1747+4C>T

Gene: CTNNA1 (catenin alpha 1; plus strand). Cytogenetic location: 5q31.2.
Variant type: single nucleotide variant.
Coding change: c.1747+4C>T on transcript NM_001903.5 (MANE Select); 4 bases into the intron after coding-DNA position 1747, C replaced by T.
Molecular consequence: intron variant.
Genome position (GRCh38, 1-based): chr5:138,924,714, C>T. VCF-style: chr5-138924714-C-T. GRCh37 (hg19) VCF-style: chr5-138260403-C-T.
Other names: c.1747+4C>T (NM_001323982.2, NM_001323984.2, NM_001290307.3 and 2 more transcripts); c.1654+4C>T (NM_001323986.2); c.1378+4C>T (NM_001290310.3); c.1438+4C>T (NM_001290309.3); c.637+4C>T (NM_001323996.1, NM_001323993.1, NM_001324005.1 and 17 more transcripts); c.298+4C>T (NM_001324007.1, NM_001324009.1, NM_001324006.1 and 2 more transcripts); c.394+4C>T (NM_001324013.1, NM_001324012.1); c.544+4C>T (NM_001324011.1).
Identifiers: ClinVar variation 819995 (VCV000819995.18), dbSNP rs372815392, ClinGen allele CA3432013.